The following is an entry in ClinVar:

NM_005045.4(RELN):c.5135C>T (p.Thr1712Met)

Gene: RELN (reelin; minus strand). Cytogenetic location: 7q22.1.
Variant type: single nucleotide variant.
Coding change: c.5135C>T on transcript NM_005045.4 (MANE Select); coding-DNA position 5135, C replaced by T.
Protein change: p.Thr1712Met; replaces threonine 1712 with methionine.
Molecular consequence: missense variant.
Genome position (GRCh38, 1-based): chr7:103,565,353, G>A on the plus strand (C>T on the coding strand, the complement: RELN is on the minus strand). VCF-style: chr7-103565353-G-A. GRCh37 (hg19) VCF-style: chr7-103205800-G-A.
Other names: c.5135C>T, p.Thr1712Met (NM_173054.3); short protein forms T1712M.
Identifiers: ClinVar variation 1372422 (VCV001372422.9), dbSNP rs1056128260, ClinGen allele CA163913352.
Genomic context (GRCh38, chr7:103,565,353, plus strand): 5'-AGGTAGACAGTGATCCGCTTCCAATTCTGGAATCTTTCCGAGGTGTAAATTGAACTTTCC[G>A]TGTAATGCAGACAGCCAATGGTTGGAGGAACACACTCTTCGGTGACAAGATGCCAGTCCT-3'
Protein context (NP_005036.2, residues 1702-1722): VPPTIGCLHY[Thr1712Met]ESSIYTSERF

ClinVar aggregate classification (germline): Uncertain significance. Review status: criteria provided, multiple submitters, no conflicts (2 of 4 stars). 2 submissions from 2 submitters: Uncertain significance (2). Last evaluated 2024-04-04.

Conditions:
Familial temporal lobe epilepsy 7. Identifiers: Orphanet 101046, MedGen C4225327, MONDO:0014639, OMIM 616436.
Norman-Roberts syndrome (LIS2). Also called: Lissencephaly 2 (Norman-Roberts type). Identifiers: Orphanet 89844, MedGen C0796089, MONDO:0009760, OMIM 257320.

Allele frequency attached by ClinVar (database versions not stated): gnomAD exomes 0.00001; TOPMed 0.00002.
gnomAD v4.1: 11 of 1,614,050 alleles (0.00068%); highest among the groups gnomAD compares: Middle Eastern, 0.017%; no homozygotes.

Submissions (2):

Blueprint Genetics
Classification: Uncertain significance. Last evaluated: 2024-04-04. Review status: criteria provided, single submitter. Criteria: ACMG Guidelines, 2015. Collection method: clinical testing. Allele origin: germline.

Labcorp Genetics (formerly Invitae), Labcorp
Classification: Uncertain significance for Familial temporal lobe epilepsy 7; Norman-Roberts syndrome. Last evaluated: 2023-11-08. Review status: criteria provided, single submitter. Criteria: Invitae Variant Classification Sherloc (09022015). Collection method: clinical testing. Allele origin: germline.
Comment: This sequence change replaces threonine, which is neutral and polar, with methionine, which is neutral and non-polar, at codon 1712 of the RELN protein (p.Thr1712Met). This variant is present in population databases (no rsID available, gnomAD 0.006%). This variant has not been reported in the literature in individuals affected with RELN-related conditions. ClinVar contains an entry for this variant (Variation ID: 1372422). Advanced modeling of protein sequence and biophysical properties (such as structural, functional, and spatial information, amino acid conservation, physicochemical variation, residue mobility, and thermodynamic stability) performed at Invitae indicates that this missense variant is not expected to disrupt RELN protein function with a negative predictive value of 80%. In summary, the available evidence is currently insufficient to determine the role of this variant in disease. Therefore, it has been classified as a Variant of Uncertain Significance.